The following is an entry in ClinVar:

NM_001244008.2(KIF1A):c.406G>A (p.Asp136Asn)

Gene: KIF1A (kinesin family member 1A; minus strand). Cytogenetic location: 2q37.3.
Variant type: single nucleotide variant.
Coding change: c.406G>A on transcript NM_001244008.2 (MANE Select); coding-DNA position 406, G replaced by A.
Protein change: p.Asp136Asn; replaces aspartic acid 136 with asparagine.
Molecular consequence: missense variant.
Genome position (GRCh38, 1-based): chr2:240,787,274, C>T on the plus strand (G>A on the coding strand, the complement: KIF1A is on the minus strand). VCF-style: chr2-240787274-C-T. GRCh37 (hg19) VCF-style: chr2-241726691-C-T.
Other names: c.406G>A, p.Asp136Asn (NM_001320705.2, NM_001330289.2, NM_001330290.2 and 20 more transcripts); short protein forms D136N.
Identifiers: ClinVar variation 1212477 (VCV001212477.13), dbSNP rs374178011, ClinGen allele CA2208796.

ClinVar aggregate classification (germline): Uncertain significance. Review status: criteria provided, multiple submitters, no conflicts (2 of 4 stars). 4 submissions from 4 submitters: Uncertain significance (4). Last evaluated 2025-10-09.

Conditions:
Hereditary spastic paraplegia. Also called: Familial spastic paraparesis. Identifiers: Orphanet 685, MedGen C0037773, MONDO:0019064. Disease mechanism: loss of function.
Inborn genetic diseases. Identifiers: MedGen C0950123, MeSH D030342.
Hereditary spastic paraplegia 30. Identifiers: Orphanet 101010, MedGen C5235139, MONDO:0012476.
Neuropathy, hereditary sensory, type 2C. Also called: KIF1A-Related HSAN2 (HSAN2C); Hereditary sensory and autonomic neuropathy type IIC. Identifiers: Orphanet 970, MedGen C3280168, MONDO:0013634, OMIM 614213.
Intellectual disability, autosomal dominant 9 (NESCAVS). Also called: NESCAV SYNDROME; KIF1A-Related Neurodevelopmental Disorder. Identifiers: Orphanet 662367, MedGen C5393830, MONDO:0013656, OMIM 614255.

Allele frequency attached by ClinVar (database versions not stated): ExAC 0.00001; gnomAD exomes 0.00001 and 0.00002; TOPMed 0.00001; ESP Exome Variant Server 0.00008.
gnomAD v4.1: 29 of 1,613,300 alleles (0.0018%); highest among the groups gnomAD compares: South Asian, 0.0022%; no homozygotes.

Submissions (4):

Labcorp Genetics (formerly Invitae), Labcorp
Classification: Uncertain significance for Hereditary spastic paraplegia 30; Neuropathy, hereditary sensory, type 2C; Intellectual disability, autosomal dominant 9. Last evaluated: 2025-10-09. Review status: criteria provided, single submitter. Criteria: Invitae Variant Classification Sherloc (09022015). Collection method: clinical testing. Allele origin: germline.
Comment: This sequence change replaces aspartic acid, which is acidic and polar, with asparagine, which is neutral and polar, at codon 136 of the KIF1A protein (p.Asp136Asn). This variant is present in population databases (rs374178011, gnomAD 0.003%). This variant has not been reported in the literature in individuals affected with KIF1A-related conditions. ClinVar contains an entry for this variant (Variation ID: 1212477). Invitae Evidence Modeling of protein sequence and biophysical properties (such as structural, functional, and spatial information, amino acid conservation, physicochemical variation, residue mobility, and thermodynamic stability) indicates that this missense variant is expected to disrupt KIF1A protein function with a positive predictive value of 95%. In summary, the available evidence is currently insufficient to determine the role of this variant in disease. Therefore, it has been classified as a Variant of Uncertain Significance.

GeneDx
Classification: Uncertain significance. Last evaluated: 2021-06-01. Review status: criteria provided, single submitter. Criteria: GeneDx Variant Classification Process June 2021. Collection method: clinical testing. Allele origin: germline. Affected: yes.
Comment: In silico analysis supports that this missense variant does not alter protein structure/function; Has not been previously published as pathogenic or benign to our knowledge

Ambry Genetics
Classification: Uncertain significance for Inborn genetic diseases. Last evaluated: 2021-02-24. Review status: criteria provided, single submitter. Criteria: Ambry Variant Classification Scheme 2023. Collection method: clinical testing. Allele origin: germline.
Comment: The p.D136N variant (also known as c.406G>A), located in coding exon 4 of the KIF1A gene, results from a G to A substitution at nucleotide position 406. The aspartic acid at codon 136 is replaced by asparagine, an amino acid with highly similar properties. This amino acid position is not well conserved in available vertebrate species, and asparagine is the reference amino acid in other vertebrate species. In addition, this alteration is predicted to be tolerated by in silico analysis. Since supporting evidence is limited at this time, the clinical significance of this alteration remains unclear.

Genome Diagnostics Laboratory, The Hospital for Sick Children
Classification: Uncertain significance for Hereditary spastic paraplegia. Last evaluated: 2019-06-01. Review status: criteria provided, single submitter. Criteria: ACMG Guidelines, 2015. Collection method: clinical testing. Allele origin: germline. Affected: yes.